The following continues an entry in ClinVar:

NM_000153.4(GALC):c.334A>G (p.Thr112Ala)

Gene: GALC. ClinVar aggregate classification (germline): Conflicting classifications of pathogenicity. Pathogenic (3); Likely pathogenic (7); Uncertain significance (14).

Submissions 20 to 31 of 31:

Illumina Laboratory Services, Illumina
Classification: Likely pathogenic for Galactosylceramide beta-galactosidase deficiency. Last evaluated: 2020-02-13. Review status: criteria provided, single submitter. Criteria: ICSLVariantClassificationCriteria RUGD 01 April 2020. Collection method: clinical testing. Allele origin: unknown.
Comment: The GALC c.334A>G (p.Thr112Ala) variant, which was previously referred to as p.Thr96Ala, is a missense variant that has been reported in association with Krabbe disease in several studies. Shao et al. (2016) reported the variant in five members of a French-Canadian family who all presented with adult-onset disease with predominant cerebellar ataxia and mild spasticity. This variant was also found to be enriched among infants with GALC activity <12% of normal who were identified through newborn screening (Orsini et al. 2016) and has also been reported in a compound heterozygous state in several affected individuals who were also heterozygous for common enzyme activity-lowering variants, including p.Ile562Thr (previously p.Ile546Thr) (Luzi et al. 1996; Debs et al. 2013). Notably, this variant is reported at a frequency of 0.004022 in the European (non-Finnish) population of the Genome Aggregation Database, which also includes four homozygous carriers. Functional studies in COS1 cells showed the p.Thr112Ala-containing enzyme showed approximately 30% of wild type activity; residual activity was even lower when an additional pseudodeficiency variant was co-expressed (Luzi et al. 1996; Saavedra-Matiz et al. 2016). Marshall et al. (2018) asserted that the p.Thr112Ala variant should be considered a disease-causing allele when in cis with a common enzyme activity reducing variant or when in trans with a severe allele. Based on the collective evidence and application of the ACMG criteria, the p.Thr112Ala variant is classified as likely pathogenic for Krabbe disease.

Institute of Human Genetics, University of Leipzig Medical Center
Classification: Uncertain significance for Galactosylceramide beta-galactosidase deficiency. Last evaluated: 2019-01-01. Review status: criteria provided, single submitter. Criteria: ACMG Guidelines, 2015. Collection method: clinical testing. Allele origin: unknown. Affected: yes.

Eurofins Ntd Llc (ga)
Classification: Uncertain significance. Last evaluated: 2017-01-05. Review status: criteria provided, single submitter. Criteria: EGL Classification Definitions. Collection method: clinical testing. Allele origin: germline. Observed: 11 variant alleles, 11 heterozygotes.

CENTOGENE GmbH and LLC - Guiding Precision Medicine
Classification: Pathogenic for Galactosylceramide beta-galactosidase deficiency. Review status: criteria provided, single submitter. Criteria: ACMG Guidelines, 2015. Collection method: clinical testing. Allele origin: germline. Affected: yes.

Pediatric/Medical Genetics, Ministry of Health, Qatif Central Hospital
Classification: Pathogenic for Galactosylceramide beta-galactosidase deficiency. Review status: criteria provided, single submitter. Criteria: ACMG Guidelines, 2015. Collection method: clinical testing. Allele origin: germline. Inheritance: Autosomal recessive inheritance. Affected: yes.

Natera, Inc.
Classification: Uncertain significance for Galactosylceramide beta-galactosidase deficiency. Last evaluated: 2020-01-09. Review status: no assertion criteria provided. Collection method: clinical testing. Allele origin: germline. Not counted in ClinVar's aggregate classification.

Clinical Genetics DNA and cytogenetics Diagnostics Lab, Erasmus MC, Erasmus Medical Center
Classification: Uncertain significance. Review status: no assertion criteria provided. Collection method: clinical testing. Allele origin: germline. Affected: yes. Study: VKGL Data-share Consensus. Not counted in ClinVar's aggregate classification.

Clinical Genetics, Academic Medical Center
Classification: Uncertain significance. Review status: no assertion criteria provided. Collection method: clinical testing. Allele origin: germline. Affected: yes. Study: VKGL Data-share Consensus. Not counted in ClinVar's aggregate classification.

Department of Pathology and Laboratory Medicine, Sinai Health System
Classification: Likely pathogenic. Review status: no assertion criteria provided. Collection method: clinical testing. Allele origin: unknown. Affected: yes. Study: The Canadian Open Genetics Repository (COGR). Not counted in ClinVar's aggregate classification.
Comment: The GALC p.T112A variant was identified in 106 of 1306 proband chromosomes (frequency: 0.08) from individuals with late-onset Krabbe disease (Orsini_2016_PMID:26795590; Debs_2013_PMID:23197103). This variant was also found to segregate with disease in one family with late-onset Krabbe disease with predominant cerebellar ataxia in five affected individuals, all of whom were compound heterozygous for the GALC p.T112A and p.E198K variants (Shao_2016_PMID:26915362). In many cases, the p.T112A variant is also found in cis with another GALC variant, such as the p.I1546T variant (Luiz_1996_PMID:8687180; Orsini_2016_PMID:26795590). The variant was identified in dbSNP (ID: rs147313927) and ClinVar (classified as uncertain significance by GeneDx, EGL Genetic Diagnostics, Invitae and Mayo Clinic, as likely pathogenic by Laboratory for Molecular Medicine and as likely benign by Mendelics). The variant was identified in control databases in 709 of 280348 chromosomes (4 homozygous) at a frequency of 0.002529 (Genome Aggregation Database March 6, 2019, v2.1.1). The variant was observed in the following populations: European (non-Finnish) in 516 of 128292 chromosomes (freq: 0.004022), European (Finnish) in 65 of 25000 chromosomes (freq: 0.0026), South Asian in 60 of 30568 chromosomes (freq: 0.001963), Other in 14 of 7138 chromosomes (freq: 0.001961), Latino in 34 of 35290 chromosomes (freq: 0.000963), African in 18 of 24176 chromosomes (freq: 0.000745), Ashkenazi Jewish in 1 of 10352 chromosomes (freq: 0.000097), and East Asian in 1 of 19532 chromosomes (freq: 0.000051). The p.T112 residue is conserved in mammals and computational analyses (PolyPhen-2, SIFT, AlignGVGD, BLOSUM, MutationTaster) provide inconsistent predictions regarding the impact to the protein; this information is not very predictive of pathogenicity. The variant occurs outside of the splicing consensus sequence and in silico or computational prediction software programs (SpliceSiteFinder, MaxEntScan, NNSPLICE, GeneSplicer) do not predict a difference in splicing. A functional GALC expression study conducted on this variant using COS1 cells found reduced GALC activity compared to the wild type, with GALC activity even more significantly reduced when another GALC variant is present with the p.T112A variant (Saavedra-Matiz_2016_PMID:27638593). In summary, this variant is considered a hypomorphic allele which, in combination with other variants in cis or trans, may result in reduced activity. Based on the above information the clinical significance of this variant cannot be determined with certainty at this time although we would lean towards a more pathogenic role for this variant. This variant is classified as likely pathogenic.

Diagnostic Laboratory, Department of Genetics, University Medical Center Groningen
Classification: Uncertain significance. Review status: no assertion criteria provided. Collection method: clinical testing. Allele origin: germline. Affected: yes. Study: VKGL Data-share Consensus. Not counted in ClinVar's aggregate classification.

GeneReviews
No classification provided. Condition: Galactosylceramide beta-galactosidase deficiency. Review status: no classification provided. Collection method: literature only. Allele origin: germline. Not counted in ClinVar's aggregate classification.

Joint Genome Diagnostic Labs from Nijmegen and Maastricht, Radboudumc and MUMC+
Classification: Uncertain significance. Review status: no assertion criteria provided. Collection method: clinical testing. Allele origin: germline. Affected: yes. Study: VKGL Data-share Consensus. Not counted in ClinVar's aggregate classification.

Literature cited by the submitters: PubMed 26795590 (cited by 6 submitters); PubMed 8687180 (cited by 5 submitters); PubMed 27638593 (cited by 7 submitters); PubMed 30609409 (cited by Women's Health and Genetics/Laboratory Corporation of America, LabCorp); PubMed 30202406 (cited by Women's Health and Genetics/Laboratory Corporation of America, LabCorp); PubMed 23197103 (cited by 6 submitters); PubMed 31053700 (cited by 5 submitters); PubMed 26915362 (cited by 7 submitters); PubMed 36781956 (cited by Women's Health and Genetics/Laboratory Corporation of America, LabCorp and Mayo Clinic Laboratories, Mayo Clinic); PubMed 40943566 (cited by Women's Health and Genetics/Laboratory Corporation of America, LabCorp); PubMed 24388568 (cited by Mayo Clinic Laboratories, Mayo Clinic); PubMed 27638592 (cited by Mayo Clinic Laboratories, Mayo Clinic); PubMed 29481565 (cited by Mayo Clinic Laboratories, Mayo Clinic and Illumina Laboratory Services, Illumina); PubMed 34065072 (cited by Mayo Clinic Laboratories, Mayo Clinic); PubMed 34449528 (cited by Mayo Clinic Laboratories, Mayo Clinic); PubMed 38837642 (cited by Mayo Clinic Laboratories, Mayo Clinic); PubMed 40565516 (cited by Mayo Clinic Laboratories, Mayo Clinic); PubMed 23509109 (cited by Laboratory for Molecular Medicine, Mass General Brigham Personalized Medicine); PubMed 21876145 (cited by Molecular Genetics, Royal Melbourne Hospital); PubMed 32860008 (cited by CENTOGENE GmbH and LLC - Guiding Precision Medicine).